The following is an entry in ClinVar:

NM_001144061.2(COPB1):c.45A>G (p.Pro15=)

Gene: COPB1 (coat protein complex I subunit beta 1; minus strand). Cytogenetic location: 11p15.2.
Variant type: single nucleotide variant.
Coding change: c.45A>G on transcript NM_001144061.2 (MANE Select); coding-DNA position 45, A replaced by G.
Protein change: p.Pro15=; no amino-acid change (proline 15 retained).
Molecular consequence: synonymous variant.
Genome position (GRCh38, 1-based): chr11:14,498,884, T>C on the plus strand (A>G on the coding strand, the complement: COPB1 is on the minus strand). VCF-style: chr11-14498884-T-C. GRCh37 (hg19) VCF-style: chr11-14520430-T-C.
Other names: c.45A>G, p.Pro15= (NM_001144062.2, NM_016451.5).
Identifiers: ClinVar variation 3025546 (VCV003025546.22), dbSNP rs368221445, ClinGen allele CA5895210.

ClinVar aggregate classification (germline): Likely benign (1 of 4 stars; one submission).

Allele frequency attached by ClinVar (database versions not stated): TOPMed 0.00007; ESP Exome Variant Server 0.00008; gnomAD 0.00014; gnomAD exomes 0.00015; ExAC 0.00026; 1000 Genomes Project 30x 0.00031; 1000 Genomes Project 0.00040.
gnomAD v4.1: 248 of 1,610,936 alleles (0.015%); highest among the groups gnomAD compares: South Asian, 0.099%; no homozygotes.

Submission:

CeGaT Center for Human Genetics Tuebingen
Classification: Likely benign. Last evaluated: 2023-12-01. Review status: criteria provided, single submitter. Criteria: CeGaT Center For Human Genetics Tuebingen Variant Classification Criteria Version 2. Collection method: clinical testing. Allele origin: germline. Affected: yes. Observed: 1 variant allele.
Comment: COPB1: BP4, BP7